The following is an entry in ClinVar:

ClinVar aggregate classification (germline): Benign (3 of 4 stars; one submission).

Conditions:
Autosomal recessive limb-girdle muscular dystrophy. Identifiers: Orphanet 102015, MedGen C2931907, MONDO:0015152.

Submission:

ClinGen Limb Girdle Muscular Dystrophy Variant Curation Expert Panel, ClinGen
Classification: Benign for Autosomal recessive limb-girdle muscular dystrophy. Last evaluated: 2025-06-04. Review status: reviewed by expert panel. Criteria: ClinGen LGMD VCEP ACMG Specifications DYSF V1.0.0. Collection method: curation. Allele origin: germline. Inheritance: Autosomal recessive inheritance.
Comment: The NM_003494.4: c.4509+1586dup variant in DYSF, which is also known as NM_001130987.2: c.4626+1586dup, is located in intron 41 and is not expected to alter the amino acid sequence. This duplication was identified in a heterozygous state with a second DYSF variant in one patient with slowly progressive muscle weakness and disease range dysferlin expression in blood monocytes, in whom it was considered a VUS due to an unknown population frequency (PMID: 36983702). However, genome data now available indicate this duplication is present in the majority of individuals and should be considered the major allele at this position, with a filtering allele frequency in gnomAD v4.1.0 genomes of 0.9937 (the lower bound of the 95% CI of 68009/68012 European (non-Finnish) chromosomes) (BA1). In addition, this duplication is not located in a splice region and is not predicted to impact splicing (SpliceAI score 0) (BP4, BP7). In summary, this variant meets the criteria to be classified as Benign for autosomal recessive limb girdle muscular dystrophy based on the ACMG/AMP criteria applied, as specified by the ClinGen LGMD VCEP (LGMD VCEP specifications version 1.0.0; 06/04/2025): BA1, BP4, BP7.

NM_001130987.2(DYSF):c.4626+1586dup

Gene: DYSF (dysferlin; plus strand). Cytogenetic location: 2p13.2.
Variant type: Duplication.
Coding change: c.4626+1586dup on transcript NM_001130987.2 (MANE Select); 1586 bases into the intron after coding-DNA position 4626, one base duplicated (G; older notation c.4626+1586dupG).
Molecular consequence: intron variant.
Genome position (GRCh38, 1-based): chr2:71,645,649, G duplicated; the last of 2 consecutive G bases (chr2:71,645,648-71,645,649); duplicating either gives the same sequence. VCF-style (leftmost placement, unchanged base first): chr2-71645647-T-TG. GRCh37 (hg19) VCF-style: chr2-71872777-T-TG.
Other names: NM_003494.4:c.4509+1586dup; c.4602+1586dup (NM_001130979.2); c.4623+1586dup (NM_001130981.2); c.4560+1586dup (NM_001130980.2); c.4572+1586dup (NM_001130978.2); c.4509+1586dup (NM_003494.4); c.4530+1586dup (NM_001130977.2); c.4467+1586dup (NM_001130976.2); and 6 more.
Identifiers: ClinVar variation 4056138 (VCV004056138.1).